The following is an entry in ClinVar:

NM_001382430.1(AKT1):c.596A>C (p.Asn199Thr)

Gene: AKT1 (AKT serine/threonine kinase 1; minus strand). Cytogenetic location: 14q32.33.
Variant type: single nucleotide variant.
Coding change: c.596A>C on transcript NM_001382430.1 (MANE Select); coding-DNA position 596, A replaced by C.
Protein change: p.Asn199Thr; replaces asparagine 199 with threonine.
Molecular consequence: missense variant.
Genome position (GRCh38, 1-based): chr14:104,774,975, T>G on the plus strand (A>C on the coding strand, the complement: AKT1 is on the minus strand). VCF-style: chr14-104774975-T-G. GRCh37 (hg19) VCF-style: chr14-105241312-T-G.
Other names: c.596A>C, p.Asn199Thr (NM_001014431.2, NM_001014432.2, NM_001382431.1 and 3 more transcripts); short protein forms N199T.
Identifiers: ClinVar variation 2662728 (VCV002662728.1), dbSNP rs2542142288, ClinGen allele CA391219228.

ClinVar aggregate classification (germline): Uncertain significance (1 of 4 stars; one submission).

Submission:

GeneDx
Classification: Uncertain significance. Last evaluated: 2023-04-20. Review status: criteria provided, single submitter. Criteria: GeneDx Variant Classification Process June 2021. Collection method: clinical testing. Allele origin: germline. Affected: yes.
Comment: Not observed at significant frequency in large population cohorts (gnomAD); In silico analysis supports that this missense variant has a deleterious effect on protein structure/function; Has not been previously published as pathogenic or benign to our knowledge